The following is an entry in ClinVar:

NM_005751.5(AKAP9):c.7710C>A (p.Phe2570Leu)

Gene: AKAP9 (A-kinase anchoring protein 9; plus strand). Cytogenetic location: 7q21.2.
Variant type: single nucleotide variant.
Coding change: c.7710C>A on transcript NM_005751.5 (MANE Select); coding-DNA position 7710, C replaced by A.
Protein change: p.Phe2570Leu; replaces phenylalanine 2570 with leucine.
Molecular consequence: missense variant.
Genome position (GRCh38, 1-based): chr7:92,079,843, C>A. VCF-style: chr7-92079843-C-A. GRCh37 (hg19) VCF-style: chr7-91709157-C-A.
Other names: c.2355C>A, p.Phe785Leu (NM_001379277.1); c.7686C>A, p.Phe2562Leu (NM_147185.3); short protein forms F2562L, F2570L, F785L.
Identifiers: ClinVar variation 4869070 (VCV004869070.1).

ClinVar aggregate classification (germline): Uncertain significance (1 of 4 stars; one submission).

Conditions:
Cardiovascular phenotype. Identifiers: MedGen CN230736.

gnomAD v4.1: 5 of 1,614,036 alleles (0.00031%); highest among the groups gnomAD compares: Middle Eastern, 0.017%; no homozygotes.

Submission:

Ambry Genetics
Classification: Uncertain significance for Cardiovascular phenotype. Last evaluated: 2026-05-14. Review status: criteria provided, single submitter. Criteria: Ambry Variant Classification Scheme 2023. Collection method: clinical testing. Allele origin: germline.
Comment: The p.F2570L variant (also known as c.7710C>A), located in coding exon 31 of the AKAP9 gene, results from a C to A substitution at nucleotide position 7710. The phenylalanine at codon 2570 is replaced by leucine, an amino acid with highly similar properties. This amino acid position is conserved. In addition, this alteration is predicted to be tolerated by in silico analysis. Based on the available evidence, the clinical significance of this variant remains unclear.